The following is an entry in ClinVar:

ClinVar aggregate classification (germline): Uncertain significance (1 of 4 stars; one submission).

Allele frequency attached by ClinVar (database versions not stated): gnomAD exomes below 0.00001.

Submission:

Labcorp Genetics (formerly Invitae), Labcorp
Classification: Uncertain significance. Last evaluated: 2023-08-17. Review status: criteria provided, single submitter. Criteria: Invitae Variant Classification Sherloc (09022015). Collection method: clinical testing. Allele origin: germline.
Comment: In summary, the available evidence is currently insufficient to determine the role of this variant in disease. Therefore, it has been classified as a Variant of Uncertain Significance. Variants that disrupt the consensus splice site are a relatively common cause of aberrant splicing (PMID: 17576681, 9536098). Algorithms developed to predict the effect of sequence changes on RNA splicing suggest that this variant may disrupt the consensus splice site. This variant has not been reported in the literature in individuals affected with BBIP1-related conditions. This variant is present in population databases (no rsID available, gnomAD 0.002%). This sequence change falls in intron 3 of the BBIP1 gene. It does not directly change the encoded amino acid sequence of the BBIP1 protein. It affects a nucleotide within the consensus splice site.

Literature cited by the submitters: PubMed 17576681; PubMed 9536098.

NM_001195305.3(BBIP1):c.112+2T>A

Gene: BBIP1 (BBSome interacting protein 1; minus strand). Cytogenetic location: 10q25.2.
Variant type: single nucleotide variant.
Coding change: c.112+2T>A on transcript NM_001195305.3 (MANE Select); the canonical splice donor site of the intron after coding-DNA position 112, T replaced by A.
Molecular consequence: splice donor variant. On other transcripts: intron variant (1).
Genome position (GRCh38, 1-based): chr10:110,901,536, A>T on the plus strand (T>A on the coding strand, the complement: BBIP1 is on the minus strand). VCF-style: chr10-110901536-A-T. GRCh37 (hg19) VCF-style: chr10-112661294-A-T.
Other names: c.112+2T>A (NM_001195306.2); c.46+2T>A (NM_001243783.3); c.38-1010T>A (NM_001195307.2); c.269+2T>A (NM_001195304.2).
Identifiers: ClinVar variation 3011069 (VCV003011069.3), dbSNP rs1255623156, ClinGen allele CA378389354.